The following is an entry in ClinVar:

ClinVar aggregate classification (germline): Uncertain significance (1 of 4 stars; one submission).

Submission:

Ambry Genetics
Classification: Uncertain significance. Last evaluated: 2025-08-01. Review status: criteria provided, single submitter. Criteria: Ambry Variant Classification Scheme 2023. Collection method: clinical testing. Allele origin: germline.
Comment: The p.A245T variant (also known as c.733G>A), located in coding exon 7 of the SRP72 gene, results from a G to A substitution at nucleotide position 733. The alanine at codon 245 is replaced by threonine, an amino acid with similar properties. This amino acid position is conserved. In addition, this alteration is predicted to be deleterious by in silico analysis. Based on the available evidence, the clinical significance of this variant remains unclear.

NM_006947.4(SRP72):c.733G>A (p.Ala245Thr)

Gene: SRP72 (signal recognition particle 72; plus strand). Cytogenetic location: 4q12.
Variant type: single nucleotide variant.
Coding change: c.733G>A on transcript NM_006947.4 (MANE Select); coding-DNA position 733, G replaced by A.
Protein change: p.Ala245Thr; replaces alanine 245 with threonine.
Molecular consequence: missense variant. On other transcripts: non-coding transcript variant (1), intron variant (1).
Genome position (GRCh38, 1-based): chr4:56,478,469, G>A. VCF-style: chr4-56478469-G-A. GRCh37 (hg19) VCF-style: chr4-57344635-G-A.
Other names: c.642+1767G>A (NM_001267722.2); short protein forms A245T.
Identifiers: ClinVar variation 4174950 (VCV004174950.1).